The following is an entry in ClinVar:

ClinVar aggregate classification (germline): Uncertain significance (1 of 4 stars; one submission).

Conditions:
TRPC5-related disorder. Also called: TRPC5-related condition.

Allele frequency attached by ClinVar (database versions not stated): gnomAD exomes 0.00001; TOPMed 0.00002.
gnomAD v4.1: 5 of 1,205,216 alleles (0.00041%); highest among the groups gnomAD compares: Admixed American, 0.011%; no homozygotes.

Submission:

PreventionGenetics, part of Exact Sciences
Classification: Uncertain significance for TRPC5-related condition. Last evaluated: 2026-06-15. Review status: criteria provided, single submitter. Criteria: ACMG Guidelines, 2015. Collection method: clinical testing. Allele origin: germline.
Comment: The TRPC5 c.19A>C variant is predicted to result in the amino acid substitution p.Lys7Gln. To our knowledge, this variant has not been reported in the literature. This variant is reported in 0.011% of alleles in individuals of Latino descent in gnomAD. At this time, the clinical significance of this variant is uncertain due to the absence of conclusive functional and genetic evidence.

NM_012471.3(TRPC5):c.19A>C (p.Lys7Gln)

Gene: TRPC5 (transient receptor potential cation channel subfamily C member 5; minus strand). Cytogenetic location: Xq23.
Variant type: single nucleotide variant.
Coding change: c.19A>C on transcript NM_012471.3 (MANE Select); coding-DNA position 19, A replaced by C.
Protein change: p.Lys7Gln; replaces lysine 7 with glutamine.
Molecular consequence: missense variant.
Genome position (GRCh38, 1-based): chrX:111,952,402, T>G on the plus strand (A>C on the coding strand, the complement: TRPC5 is on the minus strand). VCF-style: chrX-111952402-T-G. GRCh37 (hg19) VCF-style: chrX-111195630-T-G.
Other names: short protein forms K7Q.
Identifiers: ClinVar variation 2634559 (VCV002634559.2), dbSNP rs1399062124, ClinGen allele CA414298997.